The following is an entry in ClinVar:

ClinVar aggregate classification (germline): Likely benign (1 of 4 stars; one submission).

Allele frequency attached by ClinVar (database versions not stated): ExAC 0.00002; gnomAD 0.00002; gnomAD exomes 0.00003.
gnomAD v4.1: 44 of 1,588,674 alleles (0.0028%); highest among the groups gnomAD compares: South Asian, 0.013%; no homozygotes.

Submission:

CeGaT Center for Human Genetics Tuebingen
Classification: Likely benign. Last evaluated: 2022-10-01. Review status: criteria provided, single submitter. Criteria: CeGaT Center For Human Genetics Tuebingen Variant Classification Criteria Version 2. Collection method: clinical testing. Allele origin: germline. Affected: yes. Observed: 1 variant allele.
Comment: TRIOBP: BP4

NM_001039141.3(TRIOBP):c.1814G>A (p.Arg605Gln)

Gene: TRIOBP (TRIO and F-actin binding protein; plus strand). Cytogenetic location: 22q13.1.
Variant type: single nucleotide variant.
Coding change: c.1814G>A on transcript NM_001039141.3 (MANE Select); coding-DNA position 1814, G replaced by A.
Protein change: p.Arg605Gln; replaces arginine 605 with glutamine.
Molecular consequence: missense variant.
Genome position (GRCh38, 1-based): chr22:37,724,370, G>A. VCF-style: chr22-37724370-G-A. GRCh37 (hg19) VCF-style: chr22-38120377-G-A.
Other names: short protein forms R605Q.
Identifiers: ClinVar variation 2653118 (VCV002653118.24), dbSNP rs202038718, ClinGen allele CA10223701.
Genomic context (GRCh38, chr22:37,724,370, plus strand): 5'-CCAGAGCCTCCTCTCCCAATAGAGCTACACGAGACAACCCCACAACATCCTGTGCCCAGC[G>A]GGACAATCCCAGAGCCTCCAGAACCTCCTCTCCCAATAGAGCCACACGAGATAACCCCAG-3'
Protein context (NP_001034230.1, residues 595-615): RDNPTTSCAQ[Arg605Gln]DNPRASRTSS